The following is an entry in ClinVar:

NM_000186.4(CFH):c.142G>T (p.Ala48Ser)

Gene: CFH (complement factor H; plus strand). Cytogenetic location: 1q31.3.
Variant type: single nucleotide variant.
Coding change: c.142G>T on transcript NM_000186.4 (MANE Select); coding-DNA position 142, G replaced by T.
Protein change: p.Ala48Ser; replaces alanine 48 with serine.
Molecular consequence: missense variant.
Genome position (GRCh38, 1-based): chr1:196,673,061, G>T. VCF-style: chr1-196673061-G-T. GRCh37 (hg19) VCF-style: chr1-196642191-G-T.
Other names: c.142G>T, p.Ala48Ser (NM_001014975.3); short protein forms A48S.
Identifiers: ClinVar variation 4291390 (VCV004291390.1).
Genomic context (GRCh38, chr1:196,673,061, plus strand): 5'-AGAAATACAGAAATTCTGACAGGTTCCTGGTCTGACCAAACATATCCAGAAGGCACCCAG[G>T]CTATCTATAAATGCCGCCCTGGATATAGATCTCTTGGAAATGTAATAATGGTATGCAGGA-3'
Protein context (NP_000177.2, residues 38-58): SDQTYPEGTQ[Ala48Ser]IYKCRPGYRS

ClinVar aggregate classification (germline): Uncertain significance (1 of 4 stars; one submission).

Conditions:
Atypical hemolytic-uremic syndrome. Identifiers: Orphanet 2134, MedGen C2931788, MONDO:0016244.

Submission:

Genomenon, Inc
Classification: Uncertain significance for Atypical hemolytic-uremic syndrome. Last evaluated: 2025-10-02. Review status: criteria provided, single submitter. Criteria: Genomenon Sequence Variant Interpretation Standards - Updated. Collection method: curation. Allele origin: germline. Affected: yes.
Comment: CFH p.Ala48Ser (c.142G>T) is a missense variant that changes the amino acid at residue 48 from Alanine to Serine. This variant has been observed in at least one proband affected with atypical hemolytic-uremic syndrome (PMID:37744338;20734203). It is absent or not present at a significant frequency in gnomAD. In conclusion, we classify CFH p.Ala48Ser (c.142G>T) as a variant of uncertain significance.

Literature cited by the submitters: PubMed 37744338; PubMed 20734203.